The following is an entry in ClinVar:

ClinVar aggregate classification (germline): Likely pathogenic. Review status: criteria provided, multiple submitters, no conflicts (2 of 4 stars). 5 submissions from 4 submitters: Likely pathogenic (3). 2 of the submissions do not count toward it. Last evaluated 2023-07-13.

Conditions:
Peroxisome biogenesis disorder 1A (Zellweger) (PBD1A). Also called: Zellweger leukodystrophy; Peroxisome biogenesis disorder 1a. Identifiers: MedGen C4721541, MONDO:0008953, OMIM 214100.
Zellweger spectrum disorders (ZS). Also called: Zellweger Spectrum Disorder; Zellweger Spectrum; Zellweger Spectrum Disorder (ZSD); Zellweger syndrome. Identifiers: Orphanet 912, MedGen C0043459, MONDO:0019609.
Peroxisome biogenesis disorder 1B (PBD1B). Also called: Refsum disease, infantile form; Infantile Refsum disease; Infantile form of phytanic acid storage disease; PEROXISOME BIOGENESIS DISORDER (NEONATAL ADRENOLEUKODYSTROPHY/INFANTILE REFSUM DISEASE); INFANTILE PHYTANIC ACID STORAGE DISEASE; PEROXISOME BIOGENESIS DISORDER (NALD/IRD). Identifiers: Orphanet 44, MedGen C0282527, MONDO:0011101, OMIM 601539.
Heimler syndrome 1 (HMLR1). Also called: PEROXISOME BIOGENESIS DISORDER 1C. Identifiers: Orphanet 3220, MedGen C4551980, OMIM 234580, MONDO:0024544.

Submissions (5):

Baylor Genetics
Classification: Likely pathogenic for Heimler syndrome 1. Last evaluated: 2023-07-13. Review status: criteria provided, single submitter. Criteria: ACMG Guidelines, 2015. Collection method: clinical testing. Allele origin: unknown.

Labcorp Genetics (formerly Invitae), Labcorp
Classification: Likely pathogenic for Zellweger spectrum disorders. Last evaluated: 2022-07-11. Review status: criteria provided, single submitter. Criteria: Invitae Variant Classification Sherloc (09022015). Collection method: clinical testing. Allele origin: germline.
Comment: In summary, the currently available evidence indicates that the variant is pathogenic, but additional data are needed to prove that conclusively. Therefore, this variant has been classified as Likely Pathogenic. Algorithms developed to predict the effect of sequence changes on RNA splicing suggest that this variant may disrupt the consensus splice site. ClinVar contains an entry for this variant (Variation ID: 371784). This variant has not been reported in the literature in individuals affected with PEX1-related conditions. This variant is not present in population databases (gnomAD no frequency). This sequence change affects an acceptor splice site in intron 18 of the PEX1 gene. It is expected to disrupt RNA splicing. Variants that disrupt the donor or acceptor splice site typically lead to a loss of protein function (PMID: 16199547), and loss-of-function variants in PEX1 are known to be pathogenic (PMID: 9398847, 16086329, 16141001, 21031596, 26387595, 31831025).

Juno Genomics, Hangzhou Juno Genomics, Inc
Classification: Likely pathogenic for Heimler syndrome 1; Peroxisome biogenesis disorder 1A (Zellweger); Peroxisome biogenesis disorder 1B. Review status: criteria provided, single submitter. Criteria: ACMG Guidelines, 2015. Collection method: clinical testing. Allele origin: germline.
Comment: Null variant in a gene where loss of function (LOF) is a known mechanism of disease.;Absent from controls (or at extremely low frequency if recessive) in Genome Aggregation Database.

Counsyl
Classification: Likely pathogenic for Peroxisome biogenesis disorder 1A (Zellweger). Last evaluated: 2016-10-20. Review status: no assertion criteria provided. Collection method: clinical testing. Allele origin: unknown. Not counted in ClinVar's aggregate classification.

Counsyl
Classification: Likely pathogenic for Peroxisome biogenesis disorder 1B. Last evaluated: 2016-10-20. Review status: no assertion criteria provided. Collection method: clinical testing. Allele origin: unknown. Not counted in ClinVar's aggregate classification.

Literature cited by the submitters: PubMed 16199547 (cited by Labcorp Genetics (formerly Invitae), Labcorp); PubMed 9398847 (cited by Labcorp Genetics (formerly Invitae), Labcorp); PubMed 16086329 (cited by Labcorp Genetics (formerly Invitae), Labcorp); PubMed 16141001 (cited by Labcorp Genetics (formerly Invitae), Labcorp); PubMed 21031596 (cited by Labcorp Genetics (formerly Invitae), Labcorp); PubMed 26387595 (cited by Labcorp Genetics (formerly Invitae), Labcorp); PubMed 31831025 (cited by Labcorp Genetics (formerly Invitae), Labcorp).

NM_000466.3(PEX1):c.2927-2A>G

Genes: GATAD1 (GATA zinc finger domain containing 1; plus strand), PEX1 (peroxisomal biogenesis factor 1; minus strand). Cytogenetic location: 7q21.2.
Variant type: single nucleotide variant.
Coding change: c.2927-2A>G on transcript NM_000466.3 (MANE Select); the canonical splice acceptor site of the intron before coding-DNA position 2927, A replaced by G.
Molecular consequence: splice acceptor variant.
Genome position (GRCh38, 1-based): chr7:92,494,398, T>C on the plus strand (A>G on the coding strand, the complement: PEX1 is on the minus strand). VCF-style: chr7-92494398-T-C. GRCh37 (hg19) VCF-style: chr7-92123712-T-C.
Other names: c.2756-2A>G (NM_001282677.2); c.2303-2A>G (NM_001282678.2).
Identifiers: ClinVar variation 371784 (VCV000371784.13), dbSNP rs1057517531, ClinGen allele CA16041147.
Genomic context (GRCh38, chr7:92,494,398, plus strand): 5'-CCTAAGCAGGGCAGGGTCAATCAAGTCAGGGCGACTAGTAGCAGCCAATACATAAACACC[T>C]AGAGGAAAAAAGAACATTTTTTTACCAAAATCTGATGACATGATGACATTTTGTTATAAC-3'